The following is an entry in ClinVar:

ClinVar aggregate classification (germline): Uncertain significance. Review status: criteria provided, multiple submitters, no conflicts (2 of 4 stars). 2 submissions from 2 submitters: Uncertain significance (2). Last evaluated 2025-11-02.

Conditions:
Episodic kinesigenic dyskinesia (EKD). Also called: Paroxysmal kinesigenic dyskinesia. Identifiers: Orphanet 98809, MedGen C1868682, MONDO:0044202.

Submissions (2):

Labcorp Genetics (formerly Invitae), Labcorp
Classification: Uncertain significance for Episodic kinesigenic dyskinesia. Last evaluated: 2025-11-02. Review status: criteria provided, single submitter. Criteria: Invitae Variant Classification Sherloc (09022015). Collection method: clinical testing. Allele origin: germline.
Comment: This sequence change replaces aspartic acid, which is acidic and polar, with glutamic acid, which is acidic and polar, at codon 121 of the PRRT2 protein (p.Asp121Glu). This variant is not present in population databases (gnomAD no frequency). This variant has not been reported in the literature in individuals affected with PRRT2-related conditions. ClinVar contains an entry for this variant (Variation ID: 2575683). Invitae Evidence Modeling of protein sequence and biophysical properties (such as structural, functional, and spatial information, amino acid conservation, physicochemical variation, residue mobility, and thermodynamic stability) indicates that this missense variant is not expected to disrupt PRRT2 protein function with a negative predictive value of 95%. In summary, the available evidence is currently insufficient to determine the role of this variant in disease. Therefore, it has been classified as a Variant of Uncertain Significance.

GeneDx
Classification: Uncertain significance. Last evaluated: 2023-02-14. Review status: criteria provided, single submitter. Criteria: GeneDx Variant Classification Process June 2021. Collection method: clinical testing. Allele origin: germline. Affected: yes.
Comment: Not observed at significant frequency in large population cohorts (gnomAD); In silico analysis supports that this missense variant does not alter protein structure/function; Has not been previously published as pathogenic or benign to our knowledge

NM_145239.3(PRRT2):c.363C>G (p.Asp121Glu)

Genes: MVP-DT (MVP divergent transcript; minus strand), PRRT2 (proline rich transmembrane protein 2; plus strand). Cytogenetic location: 16p11.2.
Variant type: single nucleotide variant.
Coding change: c.363C>G on transcript NM_145239.3 (MANE Select); coding-DNA position 363, C replaced by G.
Protein change: p.Asp121Glu; replaces aspartic acid 121 with glutamic acid.
Molecular consequence: missense variant.
Genome position (GRCh38, 1-based): chr16:29,813,417, C>G. VCF-style: chr16-29813417-C-G. GRCh37 (hg19) VCF-style: chr16-29824738-C-G.
Other names: c.363C>G, p.Asp121Glu (NM_001256442.2, NM_001256443.2); short protein forms D121E.
Identifiers: ClinVar variation 2575683 (VCV002575683.2), dbSNP rs750763267, ClinGen allele CA395478373.
Genomic context (GRCh38, chr16:29,813,417, plus strand): 5'-CGAAGACCCATGCCAAGAAACAGTGTCCAAACCAGAAGTGAGCAAAGAGGCCACTGCAGA[C>G]CAGGGGTCCAGGCTGGAGTCTGCAGCCCCACCTGAACCAGCCCCAGAGCCTGCTCCCCAA-3'
Protein context (NP_660282.2, residues 111-131): KPEVSKEATA[Asp121Glu]QGSRLESAAP